The following is an entry in ClinVar:

ClinVar aggregate classification (germline): Uncertain significance (1 of 4 stars; one submission).

Conditions:
Hereditary cancer-predisposing syndrome. Also called: Neoplastic Syndromes, Hereditary; Tumor predisposition; Hereditary Cancer Syndrome; Hereditary neoplastic syndrome. Identifiers: Orphanet 140162, MedGen C0027672, MeSH D009386, MONDO:0015356.

Submission:

Ambry Genetics
Classification: Uncertain significance for Hereditary cancer-predisposing syndrome. Last evaluated: 2026-04-15. Review status: criteria provided, single submitter. Criteria: Ambry Variant Classification Scheme 2023. Collection method: clinical testing. Allele origin: germline.
Comment: The p.E992Q variant (also known as c.2974G>C), located in coding exon 4 of the MSH6 gene, results from a G to C substitution at nucleotide position 2974. The glutamic acid at codon 992 is replaced by glutamine, an amino acid with highly similar properties. This amino acid position is conserved. In addition, the in silico prediction for this alteration is inconclusive. Based on the available evidence, the clinical significance of this variant remains unclear.

NM_000179.3(MSH6):c.2974G>C (p.Glu992Gln)

Gene: MSH6 (mutS homolog 6; plus strand). Cytogenetic location: 2p16.3.
Variant type: single nucleotide variant.
Coding change: c.2974G>C on transcript NM_000179.3 (MANE Select); coding-DNA position 2974, G replaced by C.
Protein change: p.Glu992Gln; replaces glutamic acid 992 with glutamine.
Molecular consequence: missense variant. On other transcripts: non-coding transcript variant (5), intron variant (2).
Genome position (GRCh38, 1-based): chr2:47,800,957, G>C. VCF-style: chr2-47800957-G-C. GRCh37 (hg19) VCF-style: chr2-48028096-G-C.
Other names: c.2449G>C, p.Glu817Gln (NM_001406806.1, NM_001406807.1, NM_001406799.1); c.2974G>C, p.Glu992Gln (NM_001406808.1, NM_001406809.1, NM_001406796.1 and 2 more transcripts); c.2068G>C, p.Glu690Gln (NM_001406811.1, NM_001406812.1, NM_001406814.1 and 6 more transcripts); c.2980G>C, p.Glu994Gln (NM_001406813.1); c.2584G>C, p.Glu862Gln (NM_001281492.2); c.3070G>C, p.Glu1024Gln (NM_001406795.1, NM_001406802.1); c.2677G>C, p.Glu893Gln (NM_001406797.1, NM_001406801.1, NM_001406805.1 and 10 more transcripts); c.2896G>C, p.Glu966Gln (NM_001406804.1); and 4 more; short protein forms E1024Q, E307Q, E690Q, E817Q, E862Q, E893Q, E936Q, E966Q.
Identifiers: ClinVar variation 4860396 (VCV004860396.1).